The following is an entry in ClinVar:

ClinVar aggregate classification (germline): Uncertain significance (1 of 4 stars; one submission).

Conditions:
Fabry disease. Also called: ALPHA-GALACTOSIDASE A DEFICIENCY; ANDERSON-FABRY DISEASE; CERAMIDE TRIHEXOSIDASE DEFICIENCY; GLA DEFICIENCY; HEREDITARY DYSTOPIC LIPIDOSIS; Angiokeratoma corporis diffusum. Identifiers: Orphanet 324, MedGen C0002986, MONDO:0010526, OMIM 301500, HP:0001071. Disease mechanism: Fabry disease is due to inactivating mutations in the X-linked GLA gene resulting in deficiency of the enzyme Alpha Galactosidase-A., loss of function.

Submission:

Genomenon, Inc
Classification: Uncertain significance for Fabry disease. Last evaluated: 2026-09-08. Review status: criteria provided, single submitter. Criteria: Genomenon Sequence Variant Interpretation Standards - Updated. Collection method: curation. Allele origin: germline. Affected: yes.
Comment: GLA p.Met96Val (c.286A>G) is a missense variant that changes the amino acid at codon 96 from Methionine to Valine. This variant has been observed in at least one proband with clinical features consistent with Fabry disease (PMID:32531501). The variant was found to segregate with disease in at least one affected family (PMID:32531501). Functional or patient cell studies have been reported (PMID:32531501). It is absent or not present at a significant frequency in gnomAD. In conclusion, we classify GLA p.Met96Val (c.286A>G) as a variant of uncertain significance.

Literature cited by the submitters: PubMed 32531501.

NM_000169.3(GLA):c.286A>G (p.Met96Val)

Genes: GLA (galactosidase alpha; minus strand), RPL36A-HNRNPH2 (RPL36A-HNRNPH2 readthrough; plus strand). Cytogenetic location: Xq22.1.
Variant type: single nucleotide variant.
Coding change: c.286A>G on transcript NM_000169.3 (MANE Select); coding-DNA position 286, A replaced by G.
Protein change: p.Met96Val; replaces methionine 96 with valine.
Molecular consequence: missense variant. On other transcripts: non-coding transcript variant (3), intron variant (2).
Genome position (GRCh38, 1-based): chrX:101,403,894, T>C on the plus strand (A>G on the coding strand, the complement: GLA is on the minus strand). VCF-style: chrX-101403894-T-C. GRCh37 (hg19) VCF-style: chrX-100658882-T-C.
Other names: c.409A>G, p.Met137Val (NM_001406747.1, NM_001406749.1); c.286A>G, p.Met96Val (NM_001406748.1); c.301-8042T>C (NM_001199973.2); c.178-8042T>C (NM_001199974.2); short protein forms M137V, M96V.
Identifiers: ClinVar variation 4087333 (VCV004087333.2).
Genomic context (GRCh38, chrX:101,403,894, plus strand): 5'-CATGAGGAAAGCGCTGAGGGTCTGCCTGAAGTCTGCCTTCTGAATCTCTTTGGGGAGCCA[T>C]CCAACAGTCATCAATGCAGAGGTACTCATAACCTGCATCCTTCCAGCCTTCTGAGACCAT-3'
Protein context (NP_000160.1, residues 86-106): YEYLCIDDCW[Met96Val]APQRDSEGRL